The following is an entry in ClinVar:

NM_004715.5(CTDP1):c.384C>G (p.Gly128=)

Gene: CTDP1 (CTD phosphatase subunit 1; plus strand). Cytogenetic location: 18q23.
Variant type: single nucleotide variant.
Coding change: c.384C>G on transcript NM_004715.5 (MANE Select); coding-DNA position 384, C replaced by G.
Protein change: p.Gly128=; no amino-acid change (glycine 128 retained).
Molecular consequence: synonymous variant.
Genome position (GRCh38, 1-based): chr18:79,695,294, C>G. VCF-style: chr18-79695294-C-G. GRCh37 (hg19) VCF-style: chr18-77455294-C-G.
Other names: c.27C>G, p.Gly9= (NM_001202504.1); c.384C>G, p.Gly128= (NM_001318511.2, NM_048368.4).
Identifiers: ClinVar variation 2177245 (VCV002177245.6), dbSNP rs748190220, ClinGen allele CA9009921.

ClinVar aggregate classification (germline): Likely benign. Review status: criteria provided, single submitter (1 of 4 stars). 2 submissions from 2 submitters: Likely benign (1). 1 of the submissions does not count toward it. Last evaluated 2025-05-23.

Conditions:
CTDP1-related disorder. Also called: CTDP1-related condition.

Allele frequency attached by ClinVar (database versions not stated): gnomAD exomes 0.00001; gnomAD 0.00003; TOPMed 0.00003; ExAC 0.00005.
gnomAD v4.1: 18 of 1,613,978 alleles (0.0011%); highest among the groups gnomAD compares: East Asian, 0.038%; no homozygotes.

Submissions (2):

Labcorp Genetics (formerly Invitae), Labcorp
Classification: Likely benign. Last evaluated: 2025-05-23. Review status: criteria provided, single submitter. Criteria: Invitae Variant Classification Sherloc (09022015). Collection method: clinical testing. Allele origin: germline.

PreventionGenetics, part of Exact Sciences
Classification: Likely benign for CTDP1-related condition. Last evaluated: 2019-05-30. Review status: no assertion criteria provided. Collection method: clinical testing. Allele origin: germline. Not counted in ClinVar's aggregate classification.
Comment: This variant is classified as likely benign based on ACMG/AMP sequence variant interpretation guidelines (Richards et al. 2015 PMID: 25741868, with internal and published modifications).